The following is an entry in ClinVar:

NM_000443.4(ABCB4):c.1005+41T>G

Gene: ABCB4 (ATP binding cassette subfamily B member 4; minus strand). Cytogenetic location: 7q21.12.
Variant type: single nucleotide variant.
Coding change: c.1005+41T>G on transcript NM_000443.4 (MANE Select); 41 bases into the intron after coding-DNA position 1005, T replaced by G.
Molecular consequence: intron variant.
Genome position (GRCh38, 1-based): chr7:87,446,993, A>C on the plus strand (T>G on the coding strand, the complement: ABCB4 is on the minus strand). VCF-style: chr7-87446993-A-C. GRCh37 (hg19) VCF-style: chr7-87076309-A-C.
Other names: c.1005+41T>G (NM_018850.3, NM_018849.3).
Identifiers: ClinVar variation 4846328 (VCV004846328.1).

ClinVar aggregate classification (germline): Likely benign (1 of 4 stars; one submission).

Conditions:
Familial intrahepatic cholestasis. Identifiers: Orphanet 284385, MedGen CN296401, MONDO:0017290.
Low phospholipid associated cholelithiasis (GBD1). Also called: Gallbladder disease 1; Gallstone cholecystitis. Identifiers: Orphanet 69663, MedGen C2609268, MONDO:0010939, OMIM 600803.

gnomAD v4.1: 118 of 1,535,536 alleles (0.0077%); highest among the groups gnomAD compares: Middle Eastern, 0.14%; no homozygotes.

Submission:

Genomenon, Inc
Classification: Likely benign for Familial intrahepatic cholestasis; Low phospholipid associated cholelithiasis. Last evaluated: 2026-04-14. Review status: criteria provided, single submitter. Criteria: Genomenon Sequence Variant Interpretation Standards - Updated. Collection method: curation. Allele origin: germline. Affected: no.
Comment: ABCB4 c.1005+41T>G is an intronic variant located in intron 9. This variant has been reported in the published literature (PMID:19467940). It is absent or not present at a significant frequency in gnomAD. This intronic variant is not predicted to impact splicing. In conclusion, we classify ABCB4 c.1005+41T>G as a likely benign variant.

Literature cited by the submitters: PubMed 19467940.